The following is an entry in ClinVar:

NM_002693.3(POLG):c.830A>T (p.His277Leu)

Gene: POLG (DNA polymerase gamma, catalytic subunit; minus strand). Cytogenetic location: 15q26.1.
Variant type: single nucleotide variant.
Coding change: c.830A>T on transcript NM_002693.3 (MANE Select); coding-DNA position 830, A replaced by T.
Protein change: p.His277Leu; replaces histidine 277 with leucine.
Molecular consequence: missense variant.
Genome position (GRCh38, 1-based): chr15:89,330,106, T>A on the plus strand (A>T on the coding strand, the complement: POLG is on the minus strand). VCF-style: chr15-89330106-T-A. GRCh37 (hg19) VCF-style: chr15-89873337-T-A.
Other names: c.830A>T, p.His277Leu (NM_001126131.2); short protein forms H277L.
Identifiers: ClinVar variation 206583 (VCV000206583.96), dbSNP rs138929605, ClinGen allele CA316810.

ClinVar aggregate classification (germline): Conflicting classifications of pathogenicity. Review status: criteria provided, conflicting classifications (1 of 4 stars). 23 submissions from 22 submitters: Pathogenic (3); Likely pathogenic (10); Uncertain significance (9). 1 of the submissions does not count toward it. Last evaluated 2026-08-17.

Conditions:
Mitochondrial DNA depletion syndrome. Also called: mitochondrial DNA depletion. Identifiers: Orphanet 35698, MedGen C0342782, MONDO:0018158.
Inborn genetic diseases. Identifiers: MedGen C0950123, MeSH D030342.
Progressive external ophthalmoplegia with mitochondrial DNA deletions, autosomal dominant 1 (PEOA1). Also called: PROGRESSIVE EXTERNAL OPHTHALMOPLEGIA, AUTOSOMAL DOMINANT 1; Autosomal Dominant Progressive External Ophthalmoplegia (adPEO). Identifiers: MedGen C1834846, MONDO:0024528, OMIM 157640.
Progressive external ophthalmoplegia with mitochondrial DNA deletions, autosomal recessive 1 (PEOB1). Also called: Progressive external ophthalmoplegia, autosomal recessive 1; Autosomal Recessive Progressive External Ophthalmoplegia (arPEO). Identifiers: Orphanet 254886, MedGen C4225153, MONDO:0009783, OMIM 258450.
Sensory ataxic neuropathy, dysarthria, and ophthalmoparesis (SANDO). Also called: Sensory ataxic neuropathy-dysarthria-ophthalmoparesis syndrome; Ataxia Neuropathy Spectrum (ANS); SENSORY ATAXIC NEUROPATHY WITH MITOCHONDRIAL DNA DELETIONS, AUTOSOMAL RECESSIVE; Epilepsy, progressive myoclonic, type 5. Identifiers: Orphanet 70595, MedGen C1843851, MONDO:0011835, OMIM 607459.
Progressive sclerosing poliodystrophy (MTDPS4A). Also called: Mitochondrial DNA depletion syndrome 4A (Alpers type); Mitochondrial DNA Depletion Syndrome 4A; ALPERS PROGRESSIVE INFANTILE POLIODYSTROPHY; Alpers-Huttenlocher Syndrome; Alpers Syndrome; ALPERS DIFFUSE DEGENERATION OF CEREBRAL GRAY MATTER WITH HEPATIC CIRRHOSIS. Identifiers: Orphanet 726, MedGen C0205710, MONDO:0008758, OMIM 203700.
Mitochondrial DNA depletion syndrome 4b. Also called: Mitochondrial Neurogastrointestinal Encephalopathy Disease, POLG-Related; MNGIE, POLG-RELATED. Identifiers: Orphanet 298, MedGen C3150914, MONDO:0013350, OMIM 613662.
Mitochondrial DNA depletion syndrome 1. Also called: Mitochondrial DNA Depletion Syndrome, MNGIE Form; Mitochondrial DNA depletion syndrome 1 (MNGIE type); Mitochondrial Neurogastrointestinal Encephalopathy Disease; MITOCHONDRIAL NEUROGASTROINTESTINAL ENCEPHALOPATHY SYNDROME, TYMP-RELATED; MNGIE, TYMP-RELATED; Mitochondrial neurogastrointestinal encephalomyopathy syndrome. Identifiers: Orphanet 298, MedGen C4551995, MONDO:0011283, OMIM 603041.
POLG-related disorder. Also called: POLG-Related Spectrum Disorders; POLG-related condition; POLG-Related Disorders. Identifiers: MedGen C4763519.
Hereditary spastic paraplegia. Also called: Familial spastic paraparesis. Identifiers: Orphanet 685, MedGen C0037773, MONDO:0019064. Disease mechanism: loss of function.
Tip-toe gait. Also called: Toe walking. Identifiers: MedGen C0427144, HP:0030051.

Allele frequency attached by ClinVar (database versions not stated): TOPMed 0.00052; 1000 Genomes Project 30x 0.00016; 1000 Genomes Project 0.00020; ESP Exome Variant Server 0.00038.
gnomAD v4.1: 1,068 of 1,614,118 alleles (0.066%); highest among the groups gnomAD compares: Non-Finnish European, 0.083%; no homozygotes.

Submissions 1 to 8 of 25:

GeneDx
Classification: Pathogenic. Last evaluated: 2026-08-17. Review status: criteria provided, single submitter. Criteria: GeneDx Variant Classification Process June 2021. Collection method: clinical testing. Allele origin: germline.
Comment: In silico analysis suggests that this missense variant does not alter protein structure/function; This variant is associated with the following publications: (PMID: 25203713, 21301859, 22357363, 27987238, 30609409, 24508722, 22114710, 28337550, 21880868, 26095671, 27538604, 24642831, 32347949, 18487244, Spoljaric2023[paper], 35114397, 31440721, 22000311, 30451971, 38294884, 33791913, 35292633, 36838782, Jo2026[abstract], 41679577)

CeGaT Center for Human Genetics Tuebingen
Classification: Pathogenic. Last evaluated: 2026-08-01. Review status: criteria provided, single submitter. Criteria: CeGaT Center For Human Genetics Tuebingen Variant Classification Criteria Version 2. Collection method: clinical testing. Allele origin: germline. Affected: yes. Observed: 6 variant alleles.
Comment: POLG: PM3:Very Strong, PM2

Genome Diagnostics Laboratory, The Hospital for Sick Children
Classification: Likely pathogenic for Hereditary spastic paraplegia. Last evaluated: 2026-06-09. Review status: criteria provided, single submitter. Criteria: ACMG Guidelines, 2015. Collection method: clinical testing. Allele origin: germline. Affected: yes.
Comment: This missense variant results in a change of histidine to leucine at position 277 and in silico programs predict this variant to be damaging. This variant has been previously reported in a compound heterozygous state in two unrelated individuals, the first patient presented with progressive external ophthalmoplegia and parkinsonism, and the second patient presented with myelopathy, myopathy, peripheral neuropathy and subcortical grey matter degeneration (PMID: 21301859; PMID: 22357363). This variant is observed at an allele frequency of 0.066% in populations of the Genome Aggregation Database (gnomAD). Based on the evidence, this variant is classified as a likely pathogenic variant (ACMG Criteria: PM2, PM3_S, PP3).

PreventionGenetics, part of Exact Sciences
Classification: Likely pathogenic for POLG-related condition. Last evaluated: 2026-06-09. Review status: criteria provided, single submitter. Criteria: ACMG Guidelines, 2015. Collection method: clinical testing. Allele origin: germline.
Comment: The POLG c.830A>T variant is predicted to result in the amino acid substitution p.His277Leu. This variant has been reported in the compound heterozygous state in individuals with Alpers syndrome (Ashley et al. 2008. PubMed ID: 18487244), sensory ataxic neuropathy with cerebellar features (McKelvie et al. 2012. PubMed ID: 22357363), and progressive external ophthalmoplegia and Parkinsonism (Sato et al. 2011. PubMed ID: 21301859). Of note, this variant was also found on the same chromosome (in cis) with other suspected pathogenic variants (Hunter et al. 2011. PubMed ID: 22000311; Bereau et al. 2016. PubMed ID: 27538604). Functional studies have demonstrated that the equivalent hypermutator residue in yeast (R233) faces the exonuclease active site and alters activity when mutated (Foury et al. 2011. PubMed ID: 22114710; Farnum et al. 2014. PubMed ID: 24508722). However, other functional studies in mice demonstrated that the H277L mutant behaved similarly to wild type (Macao et al. 2015. PubMed ID: 26095671), and another study demonstrated a modest effect for the H277L mutant (Kasahara et al. 2017. PubMed ID: 27987238). This variant is reported in 0.066% of alleles in individuals of European (Non-Finnish) descent in gnomAD and has conflicting interpretations regarding its pathogenicity in ClinVar, ranging from uncertain to pathogenic (Variation ID: 206583). This variant is interpreted as likely pathogenic.

Myriad Genetics, Inc.
Classification: Likely pathogenic for POLG-related disorder. Last evaluated: 2026-05-13. Review status: criteria provided, single submitter. Criteria: Myriad Autosomal Dominant, Autosomal Recessive and X-Linked Classification Criteria (2023). Collection method: clinical testing. Allele origin: unknown.
Comment: NM_002693.2(POLG):c.830A>T(H277L) is a missense variant classified as likely pathogenic in the context of POLG-related disorders. H277L has been observed in cases with relevant disease (PMID: 18487244, 21301859, 22357363, 38703036, 21880868, 22000311, 24642831, 27538604, 41679577, Pitceathly_2017_(Article), Jo_2026_(Abstract)). Relevant functional assessments of this variant are not available in the literature. H277L has been observed in referenced population frequency databases. In summary, NM_002693.2(POLG):c.830A>T(H277L) is a missense variant that has been observed more frequently in cases with the relevant disease than in healthy populations. Please note: this variant was assessed in the context of healthy population screening.

Labcorp Genetics (formerly Invitae), Labcorp
Classification: Pathogenic for Progressive sclerosing poliodystrophy. Last evaluated: 2026-01-28. Review status: criteria provided, single submitter. Criteria: Invitae Variant Classification Sherloc (09022015). Collection method: clinical testing. Allele origin: germline.
Comment: This sequence change replaces histidine, which is basic and polar, with leucine, which is neutral and non-polar, at codon 277 of the POLG protein (p.His277Leu). This variant is present in population databases (rs138929605, gnomAD 0.06%). This missense change has been observed in individual(s) with autosomal recessive POLG-related conditions (PMID: 18487244, 21301859, 22357363). In at least one individual the data is consistent with being in trans (on the opposite chromosome) from a pathogenic variant. ClinVar contains an entry for this variant (Variation ID: 206583). Invitae Evidence Modeling of protein sequence and biophysical properties (such as structural, functional, and spatial information, amino acid conservation, physicochemical variation, residue mobility, and thermodynamic stability) indicates that this missense variant is not expected to disrupt POLG protein function with a negative predictive value of 95%. Experimental studies are conflicting or provide insufficient evidence to determine the effect of this variant on POLG function (PMID: 22114710, 24508722, 26095671, 27987238). For these reasons, this variant has been classified as Pathogenic.

Ambry Genetics
Classification: Uncertain significance for Inborn genetic diseases. Last evaluated: 2025-10-29. Review status: criteria provided, single submitter. Criteria: Ambry Variant Classification Scheme 2023. Collection method: clinical testing. Allele origin: germline.
Comment: The c.830A>T (p.H277L) alteration is located in exon 3 (coding exon 2) of the POLG gene. This alteration results from a A to T substitution at nucleotide position 830, causing the histidine (H) at amino acid position 277 to be replaced by a leucine (L). Based on data from gnomAD, the T allele has an overall frequency of 0.035% (100/282624) total alleles studied. The highest observed frequency was 0.066% (85/128938) of European (non-Finnish) alleles. This alteration is predicted to be deleterious by in silico analysis. Based on insufficient or conflicting evidence, the clinical significance of this alteration remains unclear.

Mayo Clinic Laboratories, Mayo Clinic
Classification: Uncertain significance. Last evaluated: 2025-09-08. Review status: criteria provided, single submitter. Criteria: ACMG Guidelines, 2015. Collection method: clinical testing. Allele origin: germline. Observed: 5 variant alleles.
Comment: PM3_strong, PS4_moderate